The following is an entry in ClinVar:

NM_003906.5(MCM3AP):c.1858+1G>A

Gene: MCM3AP (minichromosome maintenance complex component 3 associated protein; minus strand). Cytogenetic location: 21q22.3.
Variant type: single nucleotide variant.
Coding change: c.1858+1G>A on transcript NM_003906.5 (MANE Select); the canonical splice donor site of the intron after coding-DNA position 1858, G replaced by A.
Molecular consequence: splice donor variant.
Genome position (GRCh38, 1-based): chr21:46,277,526, C>T on the plus strand (G>A on the coding strand, the complement: MCM3AP is on the minus strand). VCF-style: chr21-46277526-C-T. GRCh37 (hg19) VCF-style: chr21-47697440-C-T.
Identifiers: ClinVar variation 1509246 (VCV001509246.8), dbSNP rs2145708232, ClinGen allele CA410527418.

ClinVar aggregate classification (germline): Likely pathogenic (1 of 4 stars; one submission).

Allele frequency attached by ClinVar (database versions not stated): gnomAD exomes below 0.00001.
gnomAD v4.1: 2 of 1,564,418 alleles (0.00013%); highest among the groups gnomAD compares: Non-Finnish European, 0.00017%; no homozygotes.

Submission:

Labcorp Genetics (formerly Invitae), Labcorp
Classification: Likely pathogenic. Last evaluated: 2021-02-22. Review status: criteria provided, single submitter. Criteria: Invitae Variant Classification Sherloc (09022015). Collection method: clinical testing. Allele origin: germline.
Comment: In summary, the currently available evidence indicates that the variant is pathogenic, but additional data are needed to prove that conclusively. Therefore, this variant has been classified as Likely Pathogenic. Algorithms developed to predict the effect of sequence changes on RNA splicing suggest that this variant may disrupt the consensus splice site, but this prediction has not been confirmed by published transcriptional studies. This variant has not been reported in the literature in individuals with MCM3AP-related conditions. This variant is not present in population databases (ExAC no frequency). This sequence change affects a donor splice site in intron 5 of the MCM3AP gene. It is expected to disrupt RNA splicing. Variants that disrupt the donor or acceptor splice site typically lead to a loss of protein function (PMID: 16199547), and loss-of-function variants in MCM3AP are known to be pathogenic (PMID: 28633435).

Literature cited by the submitters: PubMed 16199547; PubMed 28633435.